The following is an entry in ClinVar:

ClinVar aggregate classification (germline): Uncertain significance. Review status: criteria provided, multiple submitters, no conflicts (2 of 4 stars). 2 submissions from 2 submitters: Uncertain significance (2). Last evaluated 2023-05-31.

Conditions:
Retinoblastoma (RB1). Also called: RETINOBLASTOMA, SOMATIC. Identifiers: Orphanet 790, MedGen C0035335, MeSH D012175, MONDO:0008380, OMIM 180200, HP:0009919. Disease mechanism: loss of function. Inheritance: Both sporadic and heritable forms are tested..

Allele frequency attached by ClinVar (database versions not stated): gnomAD exomes below 0.00001.
gnomAD v4.1: 2 of 1,612,330 alleles (0.00012%); highest among the groups gnomAD compares: Non-Finnish European, 0.00017%; no homozygotes.

Submissions (2):

All of Us Research Program, National Institutes of Health
Classification: Uncertain significance for Retinoblastoma. Last evaluated: 2023-05-31. Review status: criteria provided, single submitter. Criteria: ACMG Guidelines, 2015. Collection method: clinical testing. Allele origin: germline. Inheritance: Autosomal dominant inheritance. Observed: 1 variant allele, 1 heterozygote.
Comment: This study involves interpretation of variants in research participants for the purpose of population health screening. Participant phenotype was not available at the time of variant classification. Additional details can be found in publication PMID: 35346344, PMCID: PMC8962531

Labcorp Genetics (formerly Invitae), Labcorp
Classification: Uncertain significance for Retinoblastoma. Last evaluated: 2020-11-23. Review status: criteria provided, single submitter. Criteria: Invitae Variant Classification Sherloc (09022015). Collection method: clinical testing. Allele origin: germline.
Comment: Algorithms developed to predict the effect of missense changes on protein structure and function are either unavailable or do not agree on the potential impact of this missense change (SIFT: "Deleterious"; PolyPhen-2: "Benign"; Align-GVGD: "Class C35"). This sequence change replaces aspartic acid with glutamic acid at codon 527 of the RB1 protein (p.Asp527Glu). The aspartic acid residue is highly conserved and there is a small physicochemical difference between aspartic acid and glutamic acid. This variant is not present in population databases (ExAC no frequency). This variant has not been reported in the literature in individuals with RB1-related conditions. In summary, the available evidence is currently insufficient to determine the role of this variant in disease. Therefore, it has been classified as a Variant of Uncertain Significance.

NM_000321.3(RB1):c.1581T>A (p.Asp527Glu)

Gene: RB1 (RB transcriptional corepressor 1; plus strand). Cytogenetic location: 13q14.2.
Variant type: single nucleotide variant.
Coding change: c.1581T>A on transcript NM_000321.3 (MANE Select); coding-DNA position 1581, T replaced by A.
Protein change: p.Asp527Glu; replaces aspartic acid 527 with glutamic acid.
Molecular consequence: missense variant.
Genome position (GRCh38, 1-based): chr13:48,381,329, T>A. VCF-style: chr13-48381329-T-A. GRCh37 (hg19) VCF-style: chr13-48955465-T-A.
Other names: short protein forms D527E.
Identifiers: ClinVar variation 1465352 (VCV001465352.9), dbSNP rs1336947639, ClinGen allele CA388163611.